The following is an entry in ClinVar:

NM_014844.5(TECPR2):c.2753-103T>C

Gene: TECPR2 (tectonin beta-propeller repeat containing 2; plus strand). Cytogenetic location: 14q32.31.
Variant type: single nucleotide variant.
Coding change: c.2753-103T>C on transcript NM_014844.5 (MANE Select); 103 bases into the intron before coding-DNA position 2753, T replaced by C.
Molecular consequence: intron variant.
Genome position (GRCh38, 1-based): chr14:102,443,544, T>C. VCF-style: chr14-102443544-T-C. GRCh37 (hg19) VCF-style: chr14-102909881-T-C.
Other names: c.2753-103T>C (NM_001172631.3).
Identifiers: ClinVar variation 673159 (VCV000673159.2), dbSNP rs114375032, ClinGen allele CA267067485.

ClinVar aggregate classification (germline): Likely benign. Review status: criteria provided, multiple submitters, no conflicts (2 of 4 stars). 2 submissions from 2 submitters: Likely benign (2). Last evaluated 2018-06-14.

Allele frequency attached by ClinVar (database versions not stated): TOPMed 0.02122; gnomAD 0.02191 and 0.02349; 1000 Genomes Project 30x 0.02701; 1000 Genomes Project 0.02796; gnomAD exomes 0.03031.
gnomAD v4.1: 34,024 of 1,157,694 alleles (2.9%); highest among the groups gnomAD compares: South Asian, 7.4%; 650 homozygotes.

Submissions (2):

GeneDx
Classification: Likely benign. Last evaluated: 2018-06-14. Review status: criteria provided, single submitter. Criteria: GeneDx Variant Classification (06012015). Collection method: clinical testing. Allele origin: germline. Affected: yes.
Comment: This variant is considered likely benign or benign based on one or more of the following criteria: it is a conservative change, it occurs at a poorly conserved position in the protein, it is predicted to be benign by multiple in silico algorithms, and/or has population frequency not consistent with disease.

Breakthrough Genomics
Classification: Likely benign. Review status: criteria provided, single submitter. Criteria: ACMG Guidelines, 2015. Collection method: not provided. Allele origin: germline. Inheritance: Autosomal recessive inheritance. Affected: yes.